The following is an entry in ClinVar:

NM_001184880.2(PCDH19):c.92A>T (p.Glu31Val)

Gene: PCDH19 (protocadherin 19; minus strand). Cytogenetic location: Xq22.1.
Variant type: single nucleotide variant.
Coding change: c.92A>T on transcript NM_001184880.2 (MANE Select); coding-DNA position 92, A replaced by T.
Protein change: p.Glu31Val; replaces glutamic acid 31 with valine.
Molecular consequence: missense variant.
Genome position (GRCh38, 1-based): chrX:100,408,506, T>A on the plus strand (A>T on the coding strand, the complement: PCDH19 is on the minus strand). VCF-style: chrX-100408506-T-A. GRCh37 (hg19) VCF-style: chrX-99663504-T-A.
Other names: c.92A>T, p.Glu31Val (NM_001105243.2, NM_020766.3); short protein forms E31V.
Identifiers: ClinVar variation 422522 (VCV000422522.2), dbSNP rs1064795834, ClinGen allele CA16621152.

ClinVar aggregate classification (germline): Likely pathogenic (1 of 4 stars; one submission).

Submission:

GeneDx
Classification: Likely pathogenic. Last evaluated: 2016-10-18. Review status: criteria provided, single submitter. Criteria: GeneDx Variant Classification (06012015). Collection method: clinical testing. Allele origin: germline. Affected: yes.
Comment: The E31V variant has not been published as a pathogenic variant, nor has it been reported as a benign variant to our knowledge. Although the E31V variant was not observed in approximately 6,200 individuals of European and African American ancestry in the NHLBI Exome Sequencing Project, the data was noted to have reduced depth of sequencing reads and therefore may be unreliable. The E31V variant is a non-conservative amino acid substitution, which is likely to impact secondary protein structure as these residues differ in polarity, charge, size and/or other properties. This substitution occurs at a position that is conserved across species, and in silico analysis predicts this variant is probably damaging to the protein structure/function. Therefore, this variant is likely pathogenic; however, the possibility that it is benign cannot be excluded.